The following is an entry in ClinVar:

ClinVar aggregate classification (germline): Uncertain significance (1 of 4 stars; one submission).

Conditions:
Townes syndrome (TBS). Also called: Townes-Brocks syndrome. Identifiers: Orphanet 857, MedGen C0265246, MeSH C536974, MONDO:0007142.

Allele frequency attached by ClinVar (database versions not stated): ExAC 0.00001; gnomAD exomes 0.00001; TOPMed 0.00001.
gnomAD v4.1: 20 of 1,614,130 alleles (0.0012%); highest among the groups gnomAD compares: East Asian, 0.0022%; no homozygotes.

Submission:

Labcorp Genetics (formerly Invitae), Labcorp
Classification: Uncertain significance for Townes syndrome. Last evaluated: 2022-08-23. Review status: criteria provided, single submitter. Criteria: Invitae Variant Classification Sherloc (09022015). Collection method: clinical testing. Allele origin: germline.
Comment: In summary, the available evidence is currently insufficient to determine the role of this variant in disease. Therefore, it has been classified as a Variant of Uncertain Significance. Algorithms developed to predict the effect of missense changes on protein structure and function (SIFT, PolyPhen-2, Align-GVGD) all suggest that this variant is likely to be tolerated. This variant has not been reported in the literature in individuals affected with SALL1-related conditions. This variant is present in population databases (rs752678352, gnomAD 0.006%). This sequence change replaces proline, which is neutral and non-polar, with serine, which is neutral and polar, at codon 855 of the SALL1 protein (p.Pro855Ser).

NM_002968.3(SALL1):c.2563C>T (p.Pro855Ser)

Gene: SALL1 (spalt like transcription factor 1; minus strand). Cytogenetic location: 16q12.1.
Variant type: single nucleotide variant.
Coding change: c.2563C>T on transcript NM_002968.3 (MANE Select); coding-DNA position 2563, C replaced by T.
Protein change: p.Pro855Ser; replaces proline 855 with serine.
Molecular consequence: missense variant.
Genome position (GRCh38, 1-based): chr16:51,139,659, G>A on the plus strand (C>T on the coding strand, the complement: SALL1 is on the minus strand). VCF-style: chr16-51139659-G-A. GRCh37 (hg19) VCF-style: chr16-51173570-G-A.
Other names: c.2272C>T, p.Pro758Ser (NM_001127892.2); short protein forms P758S, P855S.
Identifiers: ClinVar variation 2172338 (VCV002172338.4), dbSNP rs752678352, ClinGen allele CA8053079.